The following is an entry in ClinVar:

ClinVar aggregate classification (germline): Benign (1 of 4 stars; one submission).

Conditions:
Familial cancer of breast. Also called: hereditary breast carcinoma; BREAST CANCER, FAMILIAL; Hereditary breast cancer. Identifiers: Orphanet 227535, MedGen C0346153, MONDO:0016419, OMIM 114480. Disease mechanism: loss of function.

Submission:

Myriad Genetics, Inc.
Classification: Benign for Familial cancer of breast. Last evaluated: 2024-06-18. Review status: criteria provided, single submitter. Criteria: Myriad Autosomal Dominant, Autosomal Recessive and X-Linked Classification Criteria (2023). Collection method: clinical testing. Allele origin: unknown.
Comment: This variant is considered benign. This variant is a silent/synonymous amino acid change and it is not expected to impact splicing.

NM_000051.4(ATM):c.8106A>C (p.Ile2702=)

Genes: C11orf65 (chromosome 11 open reading frame 65; minus strand), ATM (ATM serine/threonine kinase; plus strand). Cytogenetic location: 11q22.3.
Variant type: single nucleotide variant.
Coding change: c.8106A>C on transcript NM_000051.4 (MANE Select); coding-DNA position 8106, A replaced by C.
Protein change: p.Ile2702=; no amino-acid change (isoleucine 2702 retained).
Molecular consequence: synonymous variant. On other transcripts: intron variant (2).
Genome position (GRCh38, 1-based): chr11:108,335,064, A>C. VCF-style: chr11-108335064-A-C. GRCh37 (hg19) VCF-style: chr11-108205791-A-C.
Other names: c.8106A>C, p.Ile2702= (NM_001351834.2); c.641-25993T>G (NM_001330368.2); c.*38+156T>G (NM_001351110.2).
Identifiers: ClinVar variation 3254132 (VCV003254132.1), dbSNP rs2086684779.